The following is an entry in ClinVar:

ClinVar aggregate classification (germline): Pathogenic/Likely pathogenic. Review status: criteria provided, multiple submitters, no conflicts (2 of 4 stars). 5 submissions from 4 submitters: Pathogenic (1); Likely pathogenic (2). 2 of the submissions do not count toward it. Last evaluated 2026-09-08.

Conditions:
Fabry disease. Also called: ALPHA-GALACTOSIDASE A DEFICIENCY; ANDERSON-FABRY DISEASE; CERAMIDE TRIHEXOSIDASE DEFICIENCY; Fabry's disease; Angiokeratoma corporis diffusum; Ceramide trihexosidosis. Identifiers: Orphanet 324, MedGen C0002986, MONDO:0010526, OMIM 301500, HP:0001071. Disease mechanism: loss of function, Fabry disease is due to inactivating mutations in the X-linked GLA gene resulting in deficiency of the enzyme Alpha Galactosidase-A..
Migalastat response. Also called: 1-Deoxygalactonojirimycin response; Galafold response. Identifiers: MedGen CN233149.

Submissions (5):

Genomenon, Inc
Classification: Likely pathogenic for Fabry disease. Last evaluated: 2026-09-08. Review status: criteria provided, single submitter. Criteria: Genomenon Sequence Variant Interpretation Standards - Updated. Collection method: curation. Allele origin: germline. Affected: yes.
Comment: GLA p.Ala20Asp (c.59C>A) is a missense variant that changes the amino acid at codon 20 from Alanine to Aspartic acid. This variant has been observed in at least one proband with clinical features consistent with Fabry disease (PMID:39362930;33204599;26415523). At least one functional study has demonstrated a substantial alteration in protein function relative to the wild-type (PMID:32023956;26415523;27657681). It is absent or not present at a significant frequency in gnomAD. In conclusion, we classify GLA p.Ala20Asp (c.59C>A) as a likely pathogenic variant.

Labcorp Genetics (formerly Invitae), Labcorp
Classification: Pathogenic for Fabry disease. Last evaluated: 2022-11-28. Review status: criteria provided, single submitter. Criteria: Invitae Variant Classification Sherloc (09022015). Collection method: clinical testing. Allele origin: germline.
Comment: This variant is not present in population databases (gnomAD no frequency). This sequence change replaces alanine, which is neutral and non-polar, with aspartic acid, which is acidic and polar, at codon 20 of the GLA protein (p.Ala20Asp). This missense change has been observed in individual(s) with Fabry disease (PMID: 33204599; Invitae). ClinVar contains an entry for this variant (Variation ID: 217373). Algorithms developed to predict the effect of missense changes on protein structure and function (SIFT, PolyPhen-2, Align-GVGD) all suggest that this variant is likely to be tolerated. Experimental studies have shown that this missense change affects GLA function (PMID: 26415523, 27657681). This variant disrupts the p.Ala20 amino acid residue in GLA. Other variant(s) that disrupt this residue have been determined to be pathogenic (PMID: 7596372, 17555407, 23935525, 26415523, 27657681). This suggests that this residue is clinically significant, and that variants that disrupt this residue are likely to be disease-causing. For these reasons, this variant has been classified as Pathogenic.

Fulgent Genetics
Classification: Likely pathogenic for Fabry disease. Last evaluated: 2021-11-02. Review status: criteria provided, single submitter. Criteria: ACMG Guidelines, 2015. Collection method: clinical testing. Allele origin: unknown.

Albrecht-Kossel-Institute, Medical University Rostock
Classification: Pathogenic for Fabry's disease. Last evaluated: 2014-01-01. Review status: no assertion criteria provided. Collection method: research. Allele origin: inherited. Not counted in ClinVar's aggregate classification.

Albrecht-Kossel-Institute, Medical University Rostock
Classification: drug response for deoxygalactonojirimycin response. Last evaluated: 2014-01-01. Review status: no assertion criteria provided. Collection method: research. Allele origin: inherited. Not counted in ClinVar's aggregate classification.

Literature cited by the submitters: PubMed 39362930 (cited by Genomenon, Inc); PubMed 33204599 (cited by Genomenon, Inc and Labcorp Genetics (formerly Invitae), Labcorp); PubMed 26415523 (cited by 3 submitters); PubMed 32023956 (cited by Genomenon, Inc); PubMed 27657681 (cited by Genomenon, Inc and Labcorp Genetics (formerly Invitae), Labcorp); PubMed 7596372 (cited by Labcorp Genetics (formerly Invitae), Labcorp); PubMed 17555407 (cited by Labcorp Genetics (formerly Invitae), Labcorp); PubMed 23935525 (cited by Labcorp Genetics (formerly Invitae), Labcorp).

NM_000169.3(GLA):c.59C>A (p.Ala20Asp)

Genes: RPL36A-HNRNPH2 (RPL36A-HNRNPH2 readthrough; plus strand), GLA (galactosidase alpha; minus strand). Cytogenetic location: Xq22.1.
Variant type: single nucleotide variant.
Coding change: c.59C>A on transcript NM_000169.3 (MANE Select); coding-DNA position 59, C replaced by A.
Protein change: p.Ala20Asp; replaces alanine 20 with aspartic acid.
Molecular consequence: missense variant. On other transcripts: non-coding transcript variant (3), intron variant (2).
Genome position (GRCh38, 1-based): chrX:101,407,845, G>T on the plus strand (C>A on the coding strand, the complement: GLA is on the minus strand). VCF-style: chrX-101407845-G-T. GRCh37 (hg19) VCF-style: chrX-100662833-G-T.
Other names: c.59C>A, p.Ala20Asp (NM_001406747.1, NM_001406748.1, NM_001406749.1); c.301-4091G>T (NM_001199973.2); c.178-4091G>T (NM_001199974.2); short protein forms A20D.
Identifiers: ClinVar variation 217373 (VCV000217373.12), dbSNP rs869312134, ClinGen allele CA353016.